The following is an entry in ClinVar:

NM_001048166.1(STIL):c.2359G>A (p.Gly787Ser)

Gene: STIL (STIL centriolar assembly protein; minus strand). Cytogenetic location: 1p33.
Variant type: single nucleotide variant.
Coding change: c.2359G>A on transcript NM_001048166.1 (MANE Select); coding-DNA position 2359, G replaced by A.
Protein change: p.Gly787Ser; replaces glycine 787 with serine.
Molecular consequence: missense variant.
Genome position (GRCh38, 1-based): chr1:47,272,100, C>T on the plus strand (G>A on the coding strand, the complement: STIL is on the minus strand). VCF-style: chr1-47272100-C-T. GRCh37 (hg19) VCF-style: chr1-47737772-C-T.
Other names: c.2359G>A, p.Gly787Ser (NM_001282936.1, NM_001282937.1, NM_003035.2); c.2218G>A, p.Gly740Ser (NM_001282938.1, NM_001282939.1, NM_001377417.1); short protein forms G740S, G787S.
Identifiers: ClinVar variation 875730 (VCV000875730.8), dbSNP rs148818578, ClinGen allele CA842193.
Genomic context (GRCh38, chr1:47,272,100, plus strand): 5'-CAATTTCCTTACAAATTAAAAAAAAACTGAAATTACCTGTGCTCACAGCAATGCTTACAC[C>T]TTTTCTCATGTGCAAGCCAGGGGAAGACTGTGCTTCCACAGAAACCAACTCCATTTGTCT-3'
Protein context (NP_001041631.1, residues 777-797): QSSPGLHMRK[Gly787Ser]VSIAVSTGAS

ClinVar aggregate classification (germline): Uncertain significance. Review status: criteria provided, multiple submitters, no conflicts (2 of 4 stars). 3 submissions from 3 submitters: Uncertain significance (3). Last evaluated 2025-06-15.

Conditions:
Microcephaly 7, primary, autosomal recessive. Identifiers: Orphanet 2512, MedGen C2675187, MONDO:0012989, OMIM 612703.

Allele frequency attached by ClinVar (database versions not stated): gnomAD 0.00006 and 0.00007; gnomAD exomes 0.00008 and 0.00013; TOPMed 0.00009; ESP Exome Variant Server 0.00015; ExAC 0.00016.
gnomAD v4.1: 135 of 1,614,084 alleles (0.0084%); highest among the groups gnomAD compares: Middle Eastern, 0.099%; no homozygotes.

Submissions (3):

Labcorp Genetics (formerly Invitae), Labcorp
Classification: Uncertain significance. Last evaluated: 2025-06-15. Review status: criteria provided, single submitter. Criteria: Invitae Variant Classification Sherloc (09022015). Collection method: clinical testing. Allele origin: germline.
Comment: This sequence change replaces glycine, which is neutral and non-polar, with serine, which is neutral and polar, at codon 787 of the STIL protein (p.Gly787Ser). This variant is present in population databases (rs148818578, gnomAD 0.05%). This variant has not been reported in the literature in individuals affected with STIL-related conditions. ClinVar contains an entry for this variant (Variation ID: 875730). Invitae Evidence Modeling of protein sequence and biophysical properties (such as structural, functional, and spatial information, amino acid conservation, physicochemical variation, residue mobility, and thermodynamic stability) indicates that this missense variant is not expected to disrupt STIL protein function with a negative predictive value of 80%. In summary, the available evidence is currently insufficient to determine the role of this variant in disease. Therefore, it has been classified as a Variant of Uncertain Significance.

Genetic Services Laboratory, University of Chicago
Classification: Uncertain significance. Last evaluated: 2019-01-18. Review status: criteria provided, single submitter. Criteria: ACMG Guidelines, 2015. Collection method: clinical testing. Allele origin: germline. Affected: no.

Illumina Laboratory Services, Illumina
Classification: Uncertain significance for Microcephaly 7, primary, autosomal recessive. Last evaluated: 2017-04-28. Review status: criteria provided, single submitter. Criteria: ICSL Variant Classification Criteria 13 December 2019. Collection method: clinical testing. Allele origin: germline.
Comment: This variant was observed as part of a predisposition screen in an ostensibly healthy population. A literature search was performed for the gene, cDNA change, and amino acid change (where applicable). Publications were found based on this search. However, the evidence from the literature, in combination with allele frequency data from public databases where available, was not sufficient to rule this variant in or out of causing disease. Therefore, this variant is classified as a variant of unknown significance.

Literature cited by the submitters: PubMed 23772360 (cited by Illumina Laboratory Services, Illumina).